The following is an entry in ClinVar:

NM_001042492.3(NF1):c.5918C>T (p.Ala1973Val)

Gene: NF1 (neurofibromin 1; plus strand). Cytogenetic location: 17q11.2.
Variant type: single nucleotide variant.
Coding change: c.5918C>T on transcript NM_001042492.3 (MANE Select); coding-DNA position 5918, C replaced by T.
Protein change: p.Ala1973Val; replaces alanine 1973 with valine.
Molecular consequence: missense variant.
Genome position (GRCh38, 1-based): chr17:31,334,943, C>T. VCF-style: chr17-31334943-C-T. GRCh37 (hg19) VCF-style: chr17-29661961-C-T.
Other names: c.5855C>T, p.Ala1952Val (NM_000267.4); short protein forms A1952V, A1973V.
Identifiers: ClinVar variation 1509725 (VCV001509725.6), dbSNP rs1597840153, ClinGen allele CA399010785.

ClinVar aggregate classification (germline): Uncertain significance (1 of 4 stars; one submission).

Conditions:
Neurofibromatosis, type 1 (NF1). Also called: Neurofibromatosis, type I; Peripheral type neurofibromatosis; VON RECKLINGHAUSEN DISEASE; NEUROFIBROMATOSIS, TYPE I, SOMATIC. Identifiers: Orphanet 636, MedGen C0027831, MONDO:0018975, OMIM 162200. Disease mechanism: loss of function.

Allele frequency attached by ClinVar (database versions not stated): gnomAD exomes below 0.00001.
gnomAD v4.1: 2 of 1,613,454 alleles (0.00012%); highest among the groups gnomAD compares: Non-Finnish European, 0.00017%; no homozygotes.

Submission:

Labcorp Genetics (formerly Invitae), Labcorp
Classification: Uncertain significance for Neurofibromatosis, type 1. Last evaluated: 2021-09-29. Review status: criteria provided, single submitter. Criteria: Invitae Variant Classification Sherloc (09022015). Collection method: clinical testing. Allele origin: germline.
Comment: In summary, the available evidence is currently insufficient to determine the role of this variant in disease. Therefore, it has been classified as a Variant of Uncertain Significance. Algorithms developed to predict the effect of missense changes on protein structure and function are either unavailable or do not agree on the potential impact of this missense change (SIFT: "Tolerated"; PolyPhen-2: "Probably Damaging"; Align-GVGD: "Class C0"). This missense change has been observed in individual(s) with clinical features of NF1-related conditions (PMID: 24789688). This variant is not present in population databases (ExAC no frequency). This sequence change replaces alanine with valine at codon 1952 of the NF1 protein (p.Ala1952Val). The alanine residue is moderately conserved and there is a small physicochemical difference between alanine and valine.

Literature cited by the submitters: PubMed 24789688.